The following is an entry in ClinVar:

ClinVar aggregate classification (germline): Uncertain significance (1 of 4 stars; one submission).

Submission:

Ambry Genetics
Classification: Uncertain significance. Last evaluated: 2026-03-23. Review status: criteria provided, single submitter. Criteria: Ambry Variant Classification Scheme 2023. Collection method: clinical testing. Allele origin: germline.
Comment: The c.571G>A (p.D191N) alteration is located in exon 1 (coding exon 1) of the OR5K4 gene. This alteration results from a G to A substitution at nucleotide position 571, causing the aspartic acid (D) at amino acid position 191 to be replaced by an asparagine (N). Based on data from gnomAD, the A allele has an overall frequency of 0.003% (1/31400) total alleles studied. The highest observed frequency was 0.012% (1/8710) of African alleles. Based on insufficient or conflicting evidence, the clinical significance of this alteration remains unclear.

NM_001005517.1(OR5K4):c.571G>A (p.Asp191Asn)

Gene: OR5K4 (olfactory receptor family 5 subfamily K member 4; plus strand). Cytogenetic location: 3q11.2.
Variant type: single nucleotide variant.
Coding change: c.571G>A on transcript NM_001005517.1 (MANE Select); coding-DNA position 571, G replaced by A.
Protein change: p.Asp191Asn; replaces aspartic acid 191 with asparagine.
Molecular consequence: missense variant.
Genome position (GRCh38, 1-based): chr3:98,354,424, G>A. VCF-style: chr3-98354424-G-A. GRCh37 (hg19) VCF-style: chr3-98073268-G-A.
Other names: short protein forms D191N.
Identifiers: ClinVar variation 4861422 (VCV004861422.1).
Genomic context (GRCh38, chr3:98,354,424, plus strand): 5'-TCTAATAAAATTCACCACTTTTTCTGTGATATTCTTCCACTGTATAGACTCTCCTGTACA[G>A]ATCCTTCTATTAATGAACTAATGATATATATCTTTTCAATACCAATTCAAATCTTTACCA-3'
Protein context (NP_001005517.1, residues 181-201): ILPLYRLSCT[Asp191Asn]PSINELMIYI